The following is an entry in ClinVar:

NM_183357.3(ADCY5):c.326A>G (p.Asp109Gly)

Gene: ADCY5 (adenylate cyclase 5; minus strand). Cytogenetic location: 3q21.1.
Variant type: single nucleotide variant.
Coding change: c.326A>G on transcript NM_183357.3 (MANE Select); coding-DNA position 326, A replaced by G.
Protein change: p.Asp109Gly; replaces aspartic acid 109 with glycine.
Molecular consequence: missense variant.
Genome position (GRCh38, 1-based): chr3:123,448,220, T>C on the plus strand (A>G on the coding strand, the complement: ADCY5 is on the minus strand). VCF-style: chr3-123448220-T-C. GRCh37 (hg19) VCF-style: chr3-123167067-T-C.
Other names: c.326A>G, p.Asp109Gly (NM_001378259.1); short protein forms D109G.
Identifiers: ClinVar variation 1972655 (VCV001972655.5), dbSNP rs1373192640, ClinGen allele CA354358339.
Genomic context (GRCh38, chr3:123,448,220, plus strand): 5'-CGGGTGCTGCCCCCGCTGGCCGCGCCCCGCCGCTGCCGGCGGCTGCCGCGACCGCAGTCG[T>C]CGCCGCCGCGCTCCTGCCAGGCGGACTTGGAGCGGAAGCTGAAGCCGAAGCCCCCGGCCA-3'
Protein context (NP_899200.1, residues 99-119): SKSAWQERGG[Asp109Gly]DCGRGSRRQR

ClinVar aggregate classification (germline): Uncertain significance (1 of 4 stars; one submission).

Allele frequency attached by ClinVar (database versions not stated): gnomAD exomes 0.00001.
gnomAD v4.1: 9 of 1,333,630 alleles (0.00067%); highest among the groups gnomAD compares: Non-Finnish European, 0.00086%; no homozygotes.

Submission:

Labcorp Genetics (formerly Invitae), Labcorp
Classification: Uncertain significance. Last evaluated: 2024-02-24. Review status: criteria provided, single submitter. Criteria: Invitae Variant Classification Sherloc (09022015). Collection method: clinical testing. Allele origin: germline.
Comment: This sequence change replaces aspartic acid, which is acidic and polar, with glycine, which is neutral and non-polar, at codon 109 of the ADCY5 protein (p.Asp109Gly). This variant is not present in population databases (gnomAD no frequency). This variant has not been reported in the literature in individuals affected with ADCY5-related conditions. ClinVar contains an entry for this variant (Variation ID: 1972655). Advanced modeling of protein sequence and biophysical properties (such as structural, functional, and spatial information, amino acid conservation, physicochemical variation, residue mobility, and thermodynamic stability) performed at Invitae indicates that this missense variant is not expected to disrupt ADCY5 protein function with a negative predictive value of 95%. In summary, the available evidence is currently insufficient to determine the role of this variant in disease. Therefore, it has been classified as a Variant of Uncertain Significance.